The following is an entry in ClinVar:

NM_006231.4(POLE):c.4067A>G (p.His1356Arg)

Gene: POLE (DNA polymerase epsilon, catalytic subunit; minus strand). Cytogenetic location: 12q24.33.
Variant type: single nucleotide variant.
Coding change: c.4067A>G on transcript NM_006231.4 (MANE Select); coding-DNA position 4067, A replaced by G.
Protein change: p.His1356Arg; replaces histidine 1356 with arginine.
Molecular consequence: missense variant.
Genome position (GRCh38, 1-based): chr12:132,649,011, T>C on the plus strand (A>G on the coding strand, the complement: POLE is on the minus strand). VCF-style: chr12-132649011-T-C. GRCh37 (hg19) VCF-style: chr12-133225597-T-C.
Other names: short protein forms H1356R.
Identifiers: ClinVar variation 3422182 (VCV003422182.1).

ClinVar aggregate classification (germline): Uncertain significance (1 of 4 stars; one submission).

Conditions:
Hereditary cancer-predisposing syndrome. Also called: Neoplastic Syndromes, Hereditary; Tumor predisposition; Hereditary Cancer Syndrome; Hereditary neoplastic syndrome. Identifiers: Orphanet 140162, MedGen C0027672, MeSH D009386, MONDO:0015356.

Submission:

Ambry Genetics
Classification: Uncertain significance for Hereditary cancer-predisposing syndrome. Last evaluated: 2024-09-24. Review status: criteria provided, single submitter. Criteria: Ambry Variant Classification Scheme 2023. Collection method: clinical testing. Allele origin: germline.
Comment: The p.H1356R variant (also known as c.4067A>G), located in coding exon 32 of the POLE gene, results from an A to G substitution at nucleotide position 4067. The histidine at codon 1356 is replaced by arginine, an amino acid with highly similar properties. This amino acid position is conserved. In addition, the in silico prediction for this alteration is inconclusive. Based on the available evidence, the clinical significance of this variant remains unclear.